The following is an entry in ClinVar:

NM_005630.3(SLCO2A1):c.1207A>G (p.Thr403Ala)

Gene: SLCO2A1 (solute carrier organic anion transporter family member 2A1; minus strand). Cytogenetic location: 3q22.1.
Variant type: single nucleotide variant.
Coding change: c.1207A>G on transcript NM_005630.3 (MANE Select); coding-DNA position 1207, A replaced by G.
Protein change: p.Thr403Ala; replaces threonine 403 with alanine.
Molecular consequence: missense variant.
Genome position (GRCh38, 1-based): chr3:133,947,344, T>C on the plus strand (A>G on the coding strand, the complement: SLCO2A1 is on the minus strand). VCF-style: chr3-133947344-T-C. GRCh37 (hg19) VCF-style: chr3-133666188-T-C.
Other names: short protein forms T403A.
Identifiers: ClinVar variation 3608271 (VCV003608271.1).

ClinVar aggregate classification (germline): Uncertain significance (1 of 4 stars; one submission).

gnomAD v4.1: 17 of 1,614,102 alleles (0.0011%); highest among the groups gnomAD compares: Non-Finnish European, 0.0014%; no homozygotes.

Submission:

Labcorp Genetics (formerly Invitae), Labcorp
Classification: Uncertain significance. Last evaluated: 2024-10-12. Review status: criteria provided, single submitter. Criteria: Invitae Variant Classification Sherloc (09022015). Collection method: clinical testing. Allele origin: germline.
Comment: This sequence change replaces threonine, which is neutral and polar, with alanine, which is neutral and non-polar, at codon 403 of the SLCO2A1 protein (p.Thr403Ala). This variant is present in population databases (rs771222238, gnomAD 0.003%). This variant has not been reported in the literature in individuals affected with SLCO2A1-related conditions. Invitae Evidence Modeling of protein sequence and biophysical properties (such as structural, functional, and spatial information, amino acid conservation, physicochemical variation, residue mobility, and thermodynamic stability) indicates that this missense variant is not expected to disrupt SLCO2A1 protein function with a negative predictive value of 95%. In summary, the available evidence is currently insufficient to determine the role of this variant in disease. Therefore, it has been classified as a Variant of Uncertain Significance.